The following is an entry in ClinVar:

NM_000107.3(DDB2):c.*151C>A

Gene: DDB2 (damage specific DNA binding protein 2; plus strand). Cytogenetic location: 11p11.2.
Variant type: single nucleotide variant.
Coding change: c.*151C>A on transcript NM_000107.3 (MANE Select); 151 bases downstream of the stop codon, C replaced by A.
Molecular consequence: 3 prime UTR variant.
Genome position (GRCh38, 1-based): chr11:47,239,000, C>A. VCF-style: chr11-47239000-C-A. GRCh37 (hg19) VCF-style: chr11-47260551-C-A.
Other names: c.*151C>A (NM_001300734.2).
Identifiers: ClinVar variation 304932 (VCV000304932.9), dbSNP rs4647760, ClinGen allele CA10635047.

ClinVar aggregate classification (germline): Benign/Likely benign. Review status: criteria provided, multiple submitters, no conflicts (2 of 4 stars). 3 submissions from 3 submitters: Benign (1); Likely benign (2). Last evaluated 2019-01-10.

Conditions:
Xeroderma pigmentosum, group E (XPE). Also called: Xeroderma pigmentosum, complementation group E; Xeroderma pigmentosum, group E, DDB-negative subtype; XERODERMA PIGMENTOSUM V; XP, GROUP E; DDB2-Related Xeroderma Pigmentosum; Xeroderma pigmentosum, complementation group E, DDB-negative form. Identifiers: Orphanet 910, MedGen C1848411, MONDO:0010213, OMIM 278740.

Allele frequency attached by ClinVar (database versions not stated): 1000 Genomes Project 30x 0.00390; 1000 Genomes Project 0.00419; gnomAD 0.01627; TOPMed 0.01703.
gnomAD v4.1: 14,194 of 736,112 alleles (1.9%); highest among the groups gnomAD compares: Non-Finnish European, 2.8%; 196 homozygotes.

Submissions (3):

GeneDx
Classification: Likely benign. Last evaluated: 2019-01-10. Review status: criteria provided, single submitter. Criteria: GeneDx Variant Classification Process June 2021. Collection method: clinical testing. Allele origin: germline. Affected: yes.

Illumina Laboratory Services, Illumina
Classification: Benign for Xeroderma pigmentosum, group E. Last evaluated: 2018-01-13. Review status: criteria provided, single submitter. Criteria: ICSL Variant Classification Criteria 13 December 2019. Collection method: clinical testing. Allele origin: germline.
Comment: This variant was observed in the ICSL laboratory as part of a predisposition screen in an ostensibly healthy population. It had not been previously curated by ICSL or reported in the Human Gene Mutation Database (HGMD: prior to June 1st, 2018), and was therefore a candidate for classification through an automated scoring system. Utilizing variant allele frequency, disease prevalence and penetrance estimates, and inheritance mode, an automated score was calculated to assess if this variant is too frequent to cause the disease. Based on the score and internal cut-off values, a variant classified as benign is not then subjected to further curation. The score for this variant resulted in a classification of benign for this disease.

Breakthrough Genomics
Classification: Likely benign. Review status: criteria provided, single submitter. Criteria: ACMG Guidelines, 2015. Collection method: not provided. Allele origin: germline. Inheritance: Autosomal recessive inheritance. Affected: yes.